The following is an entry in ClinVar:

NM_014915.3(ANKRD26):c.935C>A (p.Ser312Tyr)

Gene: ANKRD26 (ankyrin repeat domain containing 26; minus strand). Cytogenetic location: 10p12.1.
Variant type: single nucleotide variant.
Coding change: c.935C>A on transcript NM_014915.3 (MANE Select); coding-DNA position 935, C replaced by A.
Protein change: p.Ser312Tyr; replaces serine 312 with tyrosine.
Molecular consequence: missense variant.
Genome position (GRCh38, 1-based): chr10:27,077,480, G>T on the plus strand (C>A on the coding strand, the complement: ANKRD26 is on the minus strand). VCF-style: chr10-27077480-G-T. GRCh37 (hg19) VCF-style: chr10-27366409-G-T.
Other names: c.935C>A, p.Ser312Tyr (NM_001256053.2); short protein forms S312Y.
Identifiers: ClinVar variation 3871964 (VCV003871964.1).

ClinVar aggregate classification (germline): Uncertain significance (1 of 4 stars; one submission).

Conditions:
Inborn genetic diseases. Identifiers: MedGen C0950123, MeSH D030342.

Submission:

Ambry Genetics
Classification: Uncertain significance for Inborn genetic diseases. Last evaluated: 2025-03-02. Review status: criteria provided, single submitter. Criteria: Ambry Variant Classification Scheme 2023. Collection method: clinical testing. Allele origin: germline.
Comment: The p.S312Y variant (also known as c.935C>A), located in coding exon 9 of the ANKRD26 gene, results from a C to A substitution at nucleotide position 935. The serine at codon 312 is replaced by tyrosine, an amino acid with dissimilar properties. This amino acid position is conserved. In addition, this alteration is predicted to be tolerated by in silico analysis. Based on the available evidence, the clinical significance of this variant remains unclear.